The following is an entry in ClinVar:

NM_020778.5(ALPK3):c.2456G>T (p.Arg819Leu)

Gene: ALPK3 (alpha kinase 3; plus strand). Cytogenetic location: 15q25.3.
Variant type: single nucleotide variant.
Coding change: c.2456G>T on transcript NM_020778.5 (MANE Select); coding-DNA position 2456, G replaced by T.
Protein change: p.Arg819Leu; replaces arginine 819 with leucine.
Molecular consequence: missense variant.
Genome position (GRCh38, 1-based): chr15:84,857,194, G>T. VCF-style: chr15-84857194-G-T. GRCh37 (hg19) VCF-style: chr15-85400425-G-T.
Other names: short protein forms R819L.
Identifiers: ClinVar variation 3291318 (VCV003291318.1).

ClinVar aggregate classification (germline): Uncertain significance (1 of 4 stars; one submission).

Conditions:
Cardiovascular phenotype. Identifiers: MedGen CN230736.

Submission:

Ambry Genetics
Classification: Uncertain significance for Cardiovascular phenotype. Last evaluated: 2024-03-27. Review status: criteria provided, single submitter. Criteria: Ambry Variant Classification Scheme 2023. Collection method: clinical testing. Allele origin: germline.
Comment: The p.R1021L variant (also known as c.3062G>T), located in coding exon 6 of the ALPK3 gene, results from a G to T substitution at nucleotide position 3062. The arginine at codon 1021 is replaced by leucine, an amino acid with dissimilar properties. This amino acid position is conserved. In addition, this alteration is predicted to be tolerated by in silico analysis. Based on the available evidence, the clinical significance of this alteration remains unclear.